The following is an entry in ClinVar:

ClinVar aggregate classification (germline): Likely benign. Review status: criteria provided, multiple submitters, no conflicts (2 of 4 stars). 3 submissions from 3 submitters: Likely benign (3). Last evaluated 2025-06-12.

Conditions:
Early-infantile DEE. Also called: Early infantile epileptic encephalopathy with suppression bursts; Ohtahara syndrome; Early infantile epileptic encephalopathy. Identifiers: Orphanet 1934, MedGen C0393706, MONDO:0800491.

Allele frequency attached by ClinVar (database versions not stated): gnomAD exomes 0.00002; TOPMed 0.00002; ExAC 0.00003; gnomAD 0.00003.
gnomAD v4.1: 103 of 1,612,202 alleles (0.0064%); highest among the groups gnomAD compares: Non-Finnish European, 0.0085%; no homozygotes.

Submissions (3):

Labcorp Genetics (formerly Invitae), Labcorp
Classification: Likely benign for Early-infantile DEE. Last evaluated: 2025-06-12. Review status: criteria provided, single submitter. Criteria: Invitae Variant Classification Sherloc (09022015). Collection method: clinical testing. Allele origin: germline.

Women's Health and Genetics/Laboratory Corporation of America, LabCorp
Classification: Likely benign. Last evaluated: 2025-06-06. Review status: criteria provided, single submitter. Criteria: LabCorp Variant Classification Summary - May 2015. Collection method: clinical testing. Allele origin: germline.

GeneDx
Classification: Likely benign. Last evaluated: 2016-07-28. Review status: criteria provided, single submitter. Criteria: GeneDx Variant Classification (06012015). Collection method: clinical testing. Allele origin: germline. Affected: yes.
Comment: This variant is considered likely benign or benign based on one or more of the following criteria: it is a conservative change, it occurs at a poorly conserved position in the protein, it is predicted to be benign by multiple in silico algorithms, and/or has population frequency not consistent with disease.

NM_001165963.4(SCN1A):c.4582-12A>G

Genes: SCN1A (sodium voltage-gated channel alpha subunit 1; minus strand), LOC102724058 (uncharacterized LOC102724058; plus strand). Cytogenetic location: 2q24.3.
Variant type: single nucleotide variant.
Coding change: c.4582-12A>G on transcript NM_001165963.4 (MANE Select); 12 bases into the intron before coding-DNA position 4582, A replaced by G.
Molecular consequence: intron variant.
Genome position (GRCh38, 1-based): chr2:165,994,428, T>C on the plus strand (A>G on the coding strand, the complement: SCN1A is on the minus strand). VCF-style: chr2-165994428-T-C. GRCh37 (hg19) VCF-style: chr2-166850938-T-C.
Other names: c.4549-12A>G (NM_001353949.2, NM_001353950.2, NM_001353951.2 and 2 more transcripts); c.4498-12A>G (NM_001353958.2, NM_001353957.2, NM_001165964.3); c.4582-12A>G (NM_001202435.3, NM_001353948.2); c.4546-12A>G (NM_001353955.2, NM_001353954.2); c.4495-12A>G (NM_001353960.2); c.2140-12A>G (NM_001353961.2).
Identifiers: ClinVar variation 388055 (VCV000388055.6), dbSNP rs752455718, ClinGen allele CA1942764.